The following is an entry in ClinVar:

NM_001040.5(SHBG):c.833G>A (p.Ser278Asn)

Gene: SHBG (sex hormone binding globulin; plus strand). Cytogenetic location: 17p13.1.
Variant type: single nucleotide variant.
Coding change: c.833G>A on transcript NM_001040.5 (MANE Select); coding-DNA position 833, G replaced by A.
Protein change: p.Ser278Asn; replaces serine 278 with asparagine.
Molecular consequence: missense variant. On other transcripts: intron variant (1).
Genome position (GRCh38, 1-based): chr17:7,631,996, G>A. VCF-style: chr17-7631996-G-A. GRCh37 (hg19) VCF-style: chr17-7535314-G-A.
Other names: c.779G>A, p.Ser260Asn (NM_001146279.3); c.833G>A, p.Ser278Asn (NM_001146280.3); c.659G>A, p.Ser220Asn (NM_001289113.2, NM_001289114.2, NM_001289115.2); c.485G>A, p.Ser162Asn (NM_001289116.2); c.715+248G>A (NM_001146281.3); short protein forms S162N, S220N, S260N, S278N.
Identifiers: ClinVar variation 3045050 (VCV003045050.2), dbSNP rs543138281, ClinGen allele CA8354399.
Genomic context (GRCh38, chr17:7,631,996, plus strand): 5'-AGGCAGCAGGCTCAGGCCACCTCCTTGCTCTTGGGACACCAGAGAACCCATCTTGGCTCA[G>A]TCTCCACCTCCAAGATCAAGTAAAGGGGGACAGTGGGGCATTGCCTGTATTCAGTGGAGC-3'
Protein context (NP_001031.2, residues 268-288): LGTPENPSWL[Ser278Asn]LHLQDQKVVL

ClinVar aggregate classification (germline): Likely benign (0 of 4 stars; one submission).

Conditions:
SHBG-related disorder. Also called: SHBG-related condition.

Allele frequency attached by ClinVar (database versions not stated): TOPMed 0.00002; gnomAD 0.00006; gnomAD exomes 0.00016; ExAC 0.00036; 1000 Genomes Project 0.00040; 1000 Genomes Project 30x 0.00047.
gnomAD v4.1: 244 of 1,613,886 alleles (0.015%); highest among the groups gnomAD compares: South Asian, 0.25%; 2 homozygotes.

Submission:

PreventionGenetics, part of Exact Sciences
Classification: Likely benign for SHBG-related condition. Last evaluated: 2022-04-06. Review status: no assertion criteria provided. Collection method: clinical testing. Allele origin: germline.
Comment: This variant is classified as likely benign based on ACMG/AMP sequence variant interpretation guidelines (Richards et al. 2015 PMID: 25741868, with internal and published modifications).